The following is an entry in ClinVar:

ClinVar aggregate classification (germline): Uncertain significance (1 of 4 stars; one submission).

Submission:

GeneDx
Classification: Uncertain significance. Last evaluated: 2025-02-18. Review status: criteria provided, single submitter. Criteria: GeneDx Variant Classification Process June 2021. Collection method: clinical testing. Allele origin: germline. Affected: yes.
Comment: Not observed at significant frequency in large population cohorts (gnomAD); Has not been previously published as pathogenic or benign to our knowledge; Frameshift variant predicted to result in abnormal protein length as the last 2 amino acid(s) are replaced with 8 different amino acid(s) with an unclear effect on protein function

NM_005148.4(UNC119):c.714dup (p.Thr239fs)

Gene: UNC119 (unc-119 lipid binding chaperone; minus strand). Cytogenetic location: 17q11.2.
Variant type: Duplication.
Coding change: c.714dup on transcript NM_005148.4 (MANE Select); coding-DNA position 714, one base duplicated (G; older notation c.714dupG).
Protein change: p.Thr239fs; shifts the reading frame from threonine 239.
Molecular consequence: frameshift variant. On other transcripts: 3 prime UTR variant (1).
Genome position (GRCh38, 1-based): chr17:28,547,306, C duplicated on the plus strand (G on the coding strand, the reverse complement: UNC119 is on the minus strand); the first of 3 consecutive C bases (chr17:28,547,306-28,547,308); duplicating any one gives the same sequence. VCF-style (leftmost placement, unchanged base first): chr17-28547305-T-TC. GRCh37 (hg19) VCF-style: chr17-26874323-T-TC.
Other names: c.429dup, p.Thr144fs (NM_001330166.2); c.*318dup (NM_054035.2); c.714dup (NM_005148.3); short protein forms T144fs, T239fs.
Identifiers: ClinVar variation 4075720 (VCV004075720.1).